The following is an entry in ClinVar:

ClinVar aggregate classification (germline): Uncertain significance. Review status: criteria provided, multiple submitters, no conflicts (2 of 4 stars). 3 submissions from 3 submitters: Uncertain significance (3). Last evaluated 2024-10-16.

Allele frequency attached by ClinVar (database versions not stated): TOPMed below 0.00001; gnomAD exomes 0.00001 and 0.00002; ExAC 0.00002.

Submissions (3):

Labcorp Genetics (formerly Invitae), Labcorp
Classification: Uncertain significance. Last evaluated: 2024-10-16. Review status: criteria provided, single submitter. Criteria: Invitae Variant Classification Sherloc (09022015). Collection method: clinical testing. Allele origin: germline.
Comment: This sequence change replaces aspartic acid, which is acidic and polar, with glutamic acid, which is acidic and polar, at codon 3050 of the FAT4 protein (p.Asp3050Glu). This variant is present in population databases (rs761372826, gnomAD 0.009%). This variant has not been reported in the literature in individuals affected with FAT4-related conditions. ClinVar contains an entry for this variant (Variation ID: 624046). Invitae Evidence Modeling of protein sequence and biophysical properties (such as structural, functional, and spatial information, amino acid conservation, physicochemical variation, residue mobility, and thermodynamic stability) indicates that this missense variant is not expected to disrupt FAT4 protein function with a negative predictive value of 95%. In summary, the available evidence is currently insufficient to determine the role of this variant in disease. Therefore, it has been classified as a Variant of Uncertain Significance.

Women's Health and Genetics/Laboratory Corporation of America, LabCorp
Classification: Uncertain significance. Last evaluated: 2023-10-19. Review status: criteria provided, single submitter. Criteria: LabCorp Variant Classification Summary - May 2015. Collection method: clinical testing. Allele origin: germline.
Comment: Variant summary: FAT4 c.9150C>A (p.Asp3050Glu) results in a conservative amino acid change in the encoded protein sequence. Two of four in-silico tools predict a benign effect of the variant on protein function. The variant allele was found at a frequency of 2e-05 in 248092 control chromosomes (gnomAD). The available data on variant occurrences in the general population are insufficient to allow any conclusion about variant significance. To our knowledge, no occurrence of c.9150C>A in individuals affected with FAT4-Related Disorders and no experimental evidence demonstrating its impact on protein function have been reported. Two submitters have cited clinical-significance assessments for this variant to ClinVar after 2014. All submitters classified the variant as uncertain significance. Based on the evidence outlined above, the variant was classified as uncertain significance.

CeGaT Center for Human Genetics Tuebingen
Classification: Uncertain significance. Last evaluated: 2018-05-01. Review status: criteria provided, single submitter. Criteria: CeGaT Center For Human Genetics Tuebingen Variant Classification Criteria Version 2. Collection method: clinical testing. Allele origin: germline. Affected: yes. Observed: 2 variant alleles.

NM_001291303.3(FAT4):c.9156C>A (p.Asp3052Glu)

Gene: FAT4 (FAT atypical cadherin 4; plus strand). Cytogenetic location: 4q28.1.
Variant type: single nucleotide variant.
Coding change: c.9156C>A on transcript NM_001291303.3 (MANE Select); coding-DNA position 9156, C replaced by A.
Protein change: p.Asp3052Glu; replaces aspartic acid 3052 with glutamic acid.
Molecular consequence: missense variant.
Genome position (GRCh38, 1-based): chr4:125,450,166, C>A. VCF-style: chr4-125450166-C-A. GRCh37 (hg19) VCF-style: chr4-126371321-C-A.
Other names: c.9156C>A, p.Asp3052Glu (NM_001291285.3); c.9150C>A, p.Asp3050Glu (NM_024582.6); short protein forms D3052E, D3050E.
Identifiers: ClinVar variation 624046 (VCV000624046.45), dbSNP rs761372826, ClinGen allele CA3073479.